The following is an entry in ClinVar:

ClinVar aggregate classification (germline): Uncertain significance (1 of 4 stars; one submission).

Submission:

GeneDx
Classification: Uncertain significance. Last evaluated: 2026-03-30. Review status: criteria provided, single submitter. Criteria: GeneDx Variant Classification Process June 2021. Collection method: clinical testing. Allele origin: germline.
Comment: Not observed at significant frequency in large population cohorts (gnomAD); In silico analysis suggests that this missense variant does not alter protein structure/function; Has not been previously published as pathogenic or benign to our knowledge

NM_018116.4(MSTO1):c.1070C>T (p.Ala357Val)

Gene: MSTO1 (misato mitochondrial distribution and morphology regulator 1; plus strand). Cytogenetic location: 1q22.
Variant type: single nucleotide variant.
Coding change: c.1070C>T on transcript NM_018116.4 (MANE Select); coding-DNA position 1070, C replaced by T.
Protein change: p.Ala357Val; replaces alanine 357 with valine.
Molecular consequence: missense variant. On other transcripts: non-coding transcript variant (6).
Genome position (GRCh38, 1-based): chr1:155,612,947, C>T. VCF-style: chr1-155612947-C-T. GRCh37 (hg19) VCF-style: chr1-155582738-C-T.
Other names: c.1070C>T, p.Ala357Val (NM_001256532.1, NM_001256533.1, NM_001350772.1 and 3 more transcripts); c.905C>T, p.Ala302Val (NM_001350776.1); c.539C>T, p.Ala180Val (NM_001350777.1, NM_001350778.1, NM_001350779.1); c.536C>T, p.Ala179Val (NM_001350780.1, NM_001350781.1, NM_001350782.1 and 3 more transcripts); c.527C>T, p.Ala176Val (NM_001350784.1, NM_001350785.1, NM_001350787.1 and 1 more transcripts); short protein forms A176V, A179V, A180V, A302V, A357V.
Identifiers: ClinVar variation 5017552 (VCV005017552.1).